The following is an entry in ClinVar:

ClinVar aggregate classification (germline): Uncertain significance (1 of 4 stars; one submission).

Allele frequency attached by ClinVar (database versions not stated): gnomAD 0.00001.
gnomAD v4.1: 3 of 1,613,956 alleles (0.00019%); highest among the groups gnomAD compares: South Asian, 0.0033%; no homozygotes.

Submission:

Labcorp Genetics (formerly Invitae), Labcorp
Classification: Uncertain significance. Last evaluated: 2023-12-11. Review status: criteria provided, single submitter. Criteria: Invitae Variant Classification Sherloc (09022015). Collection method: clinical testing. Allele origin: germline.
Comment: This sequence change replaces serine, which is neutral and polar, with tyrosine, which is neutral and polar, at codon 169 of the AKR1D1 protein (p.Ser169Tyr). This variant is not present in population databases (gnomAD no frequency). This variant has not been reported in the literature in individuals affected with AKR1D1-related conditions. An algorithm developed to predict the effect of missense changes on protein structure and function (PolyPhen-2) suggests that this variant is likely to be disruptive. In summary, the available evidence is currently insufficient to determine the role of this variant in disease. Therefore, it has been classified as a Variant of Uncertain Significance.

NM_005989.4(AKR1D1):c.506C>A (p.Ser169Tyr)

Gene: AKR1D1 (aldo-keto reductase family 1 member D1; plus strand). Cytogenetic location: 7q33.
Variant type: single nucleotide variant.
Coding change: c.506C>A on transcript NM_005989.4 (MANE Select); coding-DNA position 506, C replaced by A.
Protein change: p.Ser169Tyr; replaces serine 169 with tyrosine.
Molecular consequence: missense variant. On other transcripts: intron variant (1).
Genome position (GRCh38, 1-based): chr7:138,105,356, C>A. VCF-style: chr7-138105356-C-A. GRCh37 (hg19) VCF-style: chr7-137790102-C-A.
Other names: c.506C>A, p.Ser169Tyr (NM_001190907.2); c.457-1252C>A (NM_001190906.2); short protein forms S169Y.
Identifiers: ClinVar variation 2838879 (VCV002838879.3), dbSNP rs1794400133, ClinGen allele CA369361415.